The following is an entry in ClinVar:

ClinVar aggregate classification (germline): Uncertain significance (1 of 4 stars; one submission).

Allele frequency attached by ClinVar (database versions not stated): TOPMed 0.00003.
gnomAD v4.1: 56 of 1,580,638 alleles (0.0035%); highest among the groups gnomAD compares: Non-Finnish European, 0.0046%; no homozygotes.

Submission:

Labcorp Genetics (formerly Invitae), Labcorp
Classification: Uncertain significance. Last evaluated: 2021-08-13. Review status: criteria provided, single submitter. Criteria: Invitae Variant Classification Sherloc (09022015). Collection method: clinical testing. Allele origin: germline.
Comment: This sequence change replaces arginine with tryptophan at codon 22 of the C17orf62 protein (p.Arg22Trp). The arginine residue is highly conserved and there is a moderate physicochemical difference between arginine and tryptophan. This variant is not present in population databases (ExAC no frequency). This variant has not been reported in the literature in individuals with C17orf62-related conditions. Algorithms developed to predict the effect of missense changes on protein structure and function (SIFT, PolyPhen-2, Align-GVGD) all suggest that this variant is likely to be disruptive, but these predictions have not been confirmed by published functional studies and their clinical significance is uncertain. In summary, the available evidence is currently insufficient to determine the role of this variant in disease. Therefore, it has been classified as a Variant of Uncertain Significance.

NM_001033046.4(CYBC1):c.64C>T (p.Arg22Trp)

Gene: CYBC1 (cytochrome b-245 chaperone 1; minus strand). Cytogenetic location: 17q25.3.
Variant type: single nucleotide variant.
Coding change: c.64C>T on transcript NM_001033046.4 (MANE Select); coding-DNA position 64, C replaced by T.
Protein change: p.Arg22Trp; replaces arginine 22 with tryptophan.
Molecular consequence: missense variant. On other transcripts: non-coding transcript variant (1).
Genome position (GRCh38, 1-based): chr17:82,449,191, G>A on the plus strand (C>T on the coding strand, the complement: CYBC1 is on the minus strand). VCF-style: chr17-82449191-G-A. GRCh37 (hg19) VCF-style: chr17-80407067-G-A.
Other names: c.64C>T, p.Arg22Trp (NM_001100407.3, NM_001100408.3, NM_001193653.2 and 3 more transcripts); short protein forms R22W.
Identifiers: ClinVar variation 1021827 (VCV001021827.6), dbSNP rs766142590, ClinGen allele CA295214967.
Genomic context (GRCh38, chr17:82,449,191, plus strand): 5'-CGGTTCTGGGGTTCTGGGGAGGGACGTGGAGAGCCTTACCAACCAGCAGGGACCAGGACC[G>A]GATGCCTGGAGCCCTCTTCAGATGGAGGCGGGAGCTGGTGCGGGTCTCCACCTGCAGGTA-3'
Protein context (NP_001028218.1, residues 12-32): RLHLKRAPGI[Arg22Trp]SWSLLVGILS